The following is an entry in ClinVar:

NM_001365480.1(CCDC88A):c.4469T>G (p.Met1490Arg)

Gene: CCDC88A (coiled-coil and HOOK domain protein 88A; minus strand). Cytogenetic location: 2p16.1.
Variant type: single nucleotide variant.
Coding change: c.4469T>G on transcript NM_001365480.1 (MANE Select); coding-DNA position 4469, T replaced by G.
Protein change: p.Met1490Arg; replaces methionine 1490 with arginine.
Molecular consequence: missense variant. On other transcripts: intron variant (1).
Genome position (GRCh38, 1-based): chr2:55,303,071, A>C on the plus strand (T>G on the coding strand, the complement: CCDC88A is on the minus strand). VCF-style: chr2-55303071-A-C. GRCh37 (hg19) VCF-style: chr2-55530207-A-C.
Other names: c.4466T>G, p.Met1489Arg (NM_001135597.2, NM_001254943.2); c.4388-999T>G (NM_018084.5); c.4466T>G (NM_001135597.1); short protein forms M1490R, M1489R.
Identifiers: ClinVar variation 2091886 (VCV002091886.5), dbSNP rs1558633095, ClinGen allele CA346914035.

ClinVar aggregate classification (germline): Uncertain significance. Review status: criteria provided, multiple submitters, no conflicts (2 of 4 stars). 2 submissions from 2 submitters: Uncertain significance (2). Last evaluated 2025-08-23.

Allele frequency attached by ClinVar (database versions not stated): gnomAD exomes below 0.00001; gnomAD 0.00001.

Submissions (2):

Labcorp Genetics (formerly Invitae), Labcorp
Classification: Uncertain significance. Last evaluated: 2025-08-23. Review status: criteria provided, single submitter. Criteria: Invitae Variant Classification Sherloc (09022015). Collection method: clinical testing. Allele origin: germline.
Comment: This sequence change replaces methionine, which is neutral and non-polar, with arginine, which is basic and polar, at codon 1489 of the CCDC88A protein (p.Met1489Arg). This variant is not present in population databases (gnomAD no frequency). This variant has not been reported in the literature in individuals affected with CCDC88A-related conditions. ClinVar contains an entry for this variant (Variation ID: 2091886). An algorithm developed to predict the effect of missense changes on protein structure and function (PolyPhen-2) suggests that this variant is likely to be disruptive. Algorithms developed to predict the effect of sequence changes on RNA splicing suggest that this variant may disrupt the consensus splice site. In summary, the available evidence is currently insufficient to determine the role of this variant in disease. Therefore, it has been classified as a Variant of Uncertain Significance.

Ambry Genetics
Classification: Uncertain significance. Last evaluated: 2024-12-25. Review status: criteria provided, single submitter. Criteria: Ambry Variant Classification Scheme 2023. Collection method: clinical testing. Allele origin: germline.